The following is an entry in ClinVar:

NM_002294.3(LAMP2):c.1135A>G (p.Ile379Val)

Gene: LAMP2 (lysosome associated membrane protein 2; minus strand). Cytogenetic location: Xq24.
Variant type: single nucleotide variant.
Coding change: c.1135A>G on transcript NM_002294.3 (MANE Select); coding-DNA position 1135, A replaced by G.
Protein change: p.Ile379Val; replaces isoleucine 379 with valine.
Molecular consequence: missense variant. On other transcripts: intron variant (1).
Genome position (GRCh38, 1-based): chrX:120,431,421, T>C on the plus strand (A>G on the coding strand, the complement: LAMP2 is on the minus strand). VCF-style: chrX-120431421-T-C. GRCh37 (hg19) VCF-style: chrX-119565276-T-C.
Other names: c.1094-2795A>G (NM_001122606.1); short protein forms I379V.
Identifiers: ClinVar variation 222685 (VCV000222685.2), dbSNP rs869025452, ClinGen allele CA351858.

ClinVar aggregate classification (germline): Uncertain significance (1 of 4 stars; one submission).

Conditions:
Cardiovascular phenotype. Identifiers: MedGen CN230736.

Submission:

Ambry Genetics
Classification: Uncertain significance for Cardiovascular phenotype. Last evaluated: 2024-03-18. Review status: criteria provided, single submitter. Criteria: Ambry Variant Classification Scheme 2023. Collection method: clinical testing. Allele origin: germline.
Comment: The p.I379V variant (also known as c.1135A>G), located in coding exon 9 of the LAMP2 gene, results from an A to G substitution at nucleotide position 1135. The isoleucine at codon 379 is replaced by valine, an amino acid with highly similar properties. This alteration has been reported in an atrial fibrillation cohort (Goodyer WR et al. Circ Genom Precis Med, 2019 Nov;12:e002713). This amino acid position is highly conserved in available vertebrate species. In addition, this alteration is predicted to be tolerated by in silico analysis. Based on the available evidence, the clinical significance of this alteration remains unclear.

Literature cited by the submitters: PubMed 31638414.